The following is an entry in ClinVar:

ClinVar aggregate classification (germline): Conflicting classifications of pathogenicity. Review status: criteria provided, conflicting classifications (1 of 4 stars). 3 submissions from 3 submitters: Uncertain significance (2); Likely benign (1). Last evaluated 2025-01-13.

Conditions:
Inborn genetic diseases. Identifiers: MedGen C0950123, MeSH D030342.
GM3 synthase deficiency (SPDRS). Also called: AMISH INFANTILE EPILEPSY SYNDROME; SALT AND PEPPER MENTAL RETARDATION SYNDROME; SALT AND PEPPER DEVELOPMENTAL REGRESSION SYNDROME. Identifiers: Orphanet 171714, Orphanet 370933, MedGen C1836824, MONDO:0018274, OMIM 609056.

Allele frequency attached by ClinVar (database versions not stated): TOPMed below 0.00001; gnomAD 0.00001; gnomAD exomes 0.00001 and 0.00004; ExAC 0.00004.
gnomAD v4.1: 14 of 1,614,118 alleles (0.00087%); highest among the groups gnomAD compares: East Asian, 0.027%; no homozygotes.

Submissions (3):

Labcorp Genetics (formerly Invitae), Labcorp
Classification: Likely benign for GM3 synthase deficiency. Last evaluated: 2025-01-13. Review status: criteria provided, single submitter. Criteria: Invitae Variant Classification Sherloc (09022015). Collection method: clinical testing. Allele origin: germline.

ARUP Laboratories, Molecular Genetics and Genomics, ARUP Laboratories
Classification: Uncertain significance for GM3 synthase deficiency. Last evaluated: 2024-10-25. Review status: criteria provided, single submitter. Criteria: ARUP Molecular Germline Variant Investigation Process 2024. Collection method: clinical testing. Allele origin: germline.

Ambry Genetics
Classification: Uncertain significance for Inborn genetic diseases. Last evaluated: 2021-08-30. Review status: criteria provided, single submitter. Criteria: Ambry Variant Classification Scheme 2023. Collection method: clinical testing. Allele origin: germline.

NM_003896.4(ST3GAL5):c.957T>G (p.Phe319Leu)

Gene: ST3GAL5 (ST3 beta-galactoside alpha-2,3-sialyltransferase 5; minus strand). Cytogenetic location: 2p11.2.
Variant type: single nucleotide variant.
Coding change: c.957T>G on transcript NM_003896.4 (MANE Select); coding-DNA position 957, T replaced by G.
Protein change: p.Phe319Leu; replaces phenylalanine 319 with leucine.
Molecular consequence: missense variant. On other transcripts: intron variant (1).
Genome position (GRCh38, 1-based): chr2:85,844,447, A>C on the plus strand (T>G on the coding strand, the complement: ST3GAL5 is on the minus strand). VCF-style: chr2-85844447-A-C. GRCh37 (hg19) VCF-style: chr2-86071570-A-C.
Other names: c.957T>G (NM_003896.3); c.888T>G, p.Phe296Leu (NM_001042437.2); c.573T>G, p.Phe191Leu (NM_001354223.2, NM_001354224.2, NM_001354226.2 and 3 more transcripts); c.873T>G, p.Phe291Leu (NM_001354227.2, NM_001354229.2, NM_001354238.1); c.234T>G, p.Phe78Leu (NM_001354247.1); c.849+1930T>G (NM_001363847.1); short protein forms F191L, F291L, F296L, F319L, F78L.
Identifiers: ClinVar variation 1007646 (VCV001007646.10), dbSNP rs747318909, ClinGen allele CA1744946.
Genomic context (GRCh38, chr2:85,844,447, plus strand): 5'-CAAAAATACCTTATCTCGGCCCCAGAACCTTGACTGAGGCTCTGAGTACTGAAGGATGTC[A>C]AAGGCAGTCTCTTTGATGATAACTGGATTCAAAATCCTGAAATGTTTTGGCTGCAGTGGG-3'
Protein context (NP_003887.3, residues 309-329): LNPVIIKETA[Phe319Leu]DILQYSEPQS